The following is an entry in ClinVar:

NM_001142800.2(EYS):c.2892A>C (p.Glu964Asp)

Gene: EYS (EGF-like photoreceptor maintenance factor; minus strand). Cytogenetic location: 6q12.
Variant type: single nucleotide variant.
Coding change: c.2892A>C on transcript NM_001142800.2 (MANE Select); coding-DNA position 2892, A replaced by C.
Protein change: p.Glu964Asp; replaces glutamic acid 964 with aspartic acid.
Molecular consequence: missense variant.
Genome position (GRCh38, 1-based): chr6:64,886,797, T>G on the plus strand (A>C on the coding strand, the complement: EYS is on the minus strand). VCF-style: chr6-64886797-T-G. GRCh37 (hg19) VCF-style: chr6-65596690-T-G.
Other names: c.2892A>C, p.Glu964Asp (NM_001292009.2); short protein forms E964D.
Identifiers: ClinVar variation 554346 (VCV000554346.12), dbSNP rs762212630, ClinGen allele CA3877238.

ClinVar aggregate classification (germline): Conflicting classifications of pathogenicity. Review status: criteria provided, conflicting classifications (1 of 4 stars). 6 submissions from 6 submitters: Pathogenic (1); Uncertain significance (4). 1 of the submissions does not count toward it. Last evaluated 2026-01-19.

Conditions:
Retinal dystrophy. Also called: Inherited retinal dystrophy. Identifiers: Orphanet 71862, MedGen C0854723, MeSH D058499, MONDO:0019118, HP:0000556.
Retinitis pigmentosa 25 (RP25). Identifiers: Orphanet 791, MedGen C1864446, MONDO:0011272, OMIM 602772.

Allele frequency attached by ClinVar (database versions not stated): gnomAD 0.00001 and 0.00002; TOPMed 0.00004; gnomAD exomes 0.00005; ExAC 0.00009; 1000 Genomes Project 30x 0.00016.
gnomAD v4.1: 24 of 1,546,740 alleles (0.0016%); highest among the groups gnomAD compares: East Asian, 0.047%; no homozygotes.

Submissions (6):

Women's Health and Genetics/Laboratory Corporation of America, LabCorp
Classification: Uncertain significance. Last evaluated: 2026-01-19. Review status: criteria provided, single submitter. Criteria: LabCorp Variant Classification Summary - May 2015. Collection method: clinical testing. Allele origin: germline.
Comment: Variant summary: EYS c.2892A>C (p.Glu964Asp) results in a conservative amino acid change in the encoded protein sequence. Algorithms developed to predict the effect of missense changes on protein structure and function all suggest that this variant is likely to be tolerated. c.2892A>C has been reported in the literature as co-occurring with EYS c.2886C>G (p.Phe962Leu) in all instances ascertained among individuals affected with features of Leber congenital amaurosis (LCA) (e.g., Eisenberger_2013) or Retinitis Pigmentosa (e.g., Koyanagi_2019, Numa_2020, Gao_2022). In at least two of these ascertainments, this variant combination also occurred along with a third EYS allele, again without phase specifications, among individuals affected with Retinitis Pigmentosa (n=2, c.8868delT (p.Ala2957fs), Koyanagi_2019 and n=1, c.2582G>A (p.Gly843Asp), Numa_2020). Furthermore, this variant combination also occurred without phase specifications, and therefore as a non-informative genotype alongside a majority concordant benign/likely benign EYS variant c.5510G>C (p.Trp1837Ser) in an individual with LCA (Eisenberger_2013). These report(s) do not provide unequivocal conclusions about association of the variant with Retinitis Pigmentosa or Leber congenital amaurosis. Both these variant alleles are found at a frequency of 5.2e-05 in 154094 and 153916 control chromosomes respectively in the gnomAD (v2) database, further supporting a co-occuring haplotype. The available data on variant occurrences in the general population are insufficient to allow any conclusion about variant significance. To our knowledge, no experimental evidence demonstrating an impact on protein function has been reported. The following publications have been ascertained in the context of this evaluation (PMID: 24265693, 34689181, 31213501, 33247286). ClinVar contains an entry for this variant (Variation ID: 554346). Based on the evidence outlined above, the variant was classified as uncertain significance.

Myriad Genetics, Inc.
Classification: Uncertain significance for Retinitis pigmentosa 25. Last evaluated: 2025-12-16. Review status: criteria provided, single submitter. Criteria: Myriad Autosomal Dominant, Autosomal Recessive and X-Linked Classification Criteria (2023). Collection method: clinical testing. Allele origin: unknown.
Comment: NM_001142800.1(EYS):c.2892A>C(E964D) is a missense variant classified as a variant of uncertain significance in the context of retinitis pigmentosa, EYS-related. E964D has been observed in cases with relevant disease (PMID: 33247286, 38499336, 35924323, 24265693). Relevant functional assessments of this variant are not available in the literature. E964D has been observed in referenced population frequency databases. In summary, there is insufficient evidence to classify NM_001142800.1(EYS):c.2892A>C(E964D) as pathogenic or benign. Please note: this variant was assessed in the context of healthy population screening.

Blueprint Genetics
Classification: Uncertain significance. Last evaluated: 2024-11-08. Review status: criteria provided, single submitter. Criteria: ACMG Guidelines, 2015. Collection method: clinical testing. Allele origin: germline.

Dept Of Ophthalmology, Nagoya University
Classification: Pathogenic for Retinal dystrophy. Last evaluated: 2023-10-01. Review status: criteria provided, single submitter. Criteria: Submitter's publication. Collection method: research. Allele origin: germline. Affected: yes.

Labcorp Genetics (formerly Invitae), Labcorp
Classification: Uncertain significance. Last evaluated: 2022-10-17. Review status: criteria provided, single submitter. Criteria: Invitae Variant Classification Sherloc (09022015). Collection method: clinical testing. Allele origin: germline.
Comment: This sequence change replaces glutamic acid, which is acidic and polar, with aspartic acid, which is acidic and polar, at codon 964 of the EYS protein (p.Glu964Asp). This variant is present in population databases (rs762212630, gnomAD 0.06%). This missense change has been observed in individual(s) with EYS-related conditions (PMID: 24265693, 33247286). ClinVar contains an entry for this variant (Variation ID: 554346). Advanced modeling of protein sequence and biophysical properties (such as structural, functional, and spatial information, amino acid conservation, physicochemical variation, residue mobility, and thermodynamic stability) has been performed at Invitae for this missense variant, however the output from this modeling did not meet the statistical confidence thresholds required to predict the impact of this variant on EYS protein function. In summary, the available evidence is currently insufficient to determine the role of this variant in disease. Therefore, it has been classified as a Variant of Uncertain Significance.

Counsyl
Classification: Uncertain significance for Retinitis pigmentosa 25. Last evaluated: 2017-10-16. Review status: no assertion criteria provided. Collection method: clinical testing. Allele origin: unknown. Not counted in ClinVar's aggregate classification.

Literature cited by the submitters: PubMed 24265693 (cited by 4 submitters); PubMed 31213501 (cited by Women's Health and Genetics/Laboratory Corporation of America, LabCorp); PubMed 33247286 (cited by 3 submitters); PubMed 34689181 (cited by Women's Health and Genetics/Laboratory Corporation of America, LabCorp); PubMed 35924323 (cited by Myriad Genetics, Inc.); PubMed 38499336 (cited by Myriad Genetics, Inc.).